The following is an entry in ClinVar:

NM_005559.4(LAMA1):c.7213G>A (p.Asp2405Asn)

Gene: LAMA1 (laminin subunit alpha 1; minus strand). Cytogenetic location: 18p11.31.
Variant type: single nucleotide variant.
Coding change: c.7213G>A on transcript NM_005559.4 (MANE Select); coding-DNA position 7213, G replaced by A.
Protein change: p.Asp2405Asn; replaces aspartic acid 2405 with asparagine.
Molecular consequence: missense variant.
Genome position (GRCh38, 1-based): chr18:6,964,786, C>T on the plus strand (G>A on the coding strand, the complement: LAMA1 is on the minus strand). VCF-style: chr18-6964786-C-T. GRCh37 (hg19) VCF-style: chr18-6964785-C-T.
Other names: short protein forms D2405N.
Identifiers: ClinVar variation 1711894 (VCV001711894.14), dbSNP rs371549771, ClinGen allele CA8880964.

ClinVar aggregate classification (germline): Conflicting classifications of pathogenicity. Review status: criteria provided, conflicting classifications (1 of 4 stars). 5 submissions from 5 submitters: Uncertain significance (3); Likely benign (2). Last evaluated 2026-06-24.

Conditions:
LAMA1-related disorder. Also called: LAMA1-related condition; LAMA1-related disorders.
Ataxia - intellectual disability - oculomotor apraxia - cerebellar cysts syndrome. Also called: Poretti-Boltshauser syndrome. Identifiers: Orphanet 370022, MedGen C4014821, MONDO:0014419, OMIM 615960.

Allele frequency attached by ClinVar (database versions not stated): gnomAD 0.00003; TOPMed 0.00009.
gnomAD v4.1: 72 of 1,613,858 alleles (0.0045%); highest among the groups gnomAD compares: East Asian, 0.11%; 1 homozygote.

Submissions (5):

PreventionGenetics, part of Exact Sciences
Classification: Likely benign for LAMA1-related condition. Last evaluated: 2026-06-24. Review status: criteria provided, single submitter. Criteria: ACMG Guidelines, 2015. Collection method: clinical testing. Allele origin: germline.
Comment: This variant is classified as likely benign based on ACMG/AMP sequence variant interpretation guidelines (Richards et al. 2015 PMID: 25741868, with internal and published modifications).

CeGaT Center for Human Genetics Tuebingen
Classification: Uncertain significance. Last evaluated: 2026-03-01. Review status: criteria provided, single submitter. Criteria: CeGaT Center For Human Genetics Tuebingen Variant Classification Criteria Version 2. Collection method: clinical testing. Allele origin: germline. Affected: yes. Observed: 1 variant allele.
Comment: LAMA1: PM2

Labcorp Genetics (formerly Invitae), Labcorp
Classification: Likely benign. Last evaluated: 2025-08-15. Review status: criteria provided, single submitter. Criteria: Invitae Variant Classification Sherloc (09022015). Collection method: clinical testing. Allele origin: germline.

GeneDx
Classification: Uncertain significance. Last evaluated: 2024-06-13. Review status: criteria provided, single submitter. Criteria: GeneDx Variant Classification Process June 2021. Collection method: clinical testing. Allele origin: germline. Affected: yes.
Comment: In silico analysis supports that this missense variant has a deleterious effect on protein structure/function; Has not been previously published as pathogenic or benign to our knowledge

Baylor Genetics
Classification: Uncertain significance for Ataxia - intellectual disability - oculomotor apraxia - cerebellar cysts syndrome. Last evaluated: 2022-09-10. Review status: criteria provided, single submitter. Criteria: ACMG Guidelines, 2015. Collection method: clinical testing. Allele origin: unknown.